The following is an entry in ClinVar:

ClinVar aggregate classification (germline): Uncertain significance. Review status: criteria provided, multiple submitters, no conflicts (2 of 4 stars). 2 submissions from 2 submitters: Uncertain significance (2). Last evaluated 2026-01-07.

Conditions:
Focal segmental glomerulosclerosis 5 (FSGS5). Identifiers: Orphanet 656, MedGen C2750475, MONDO:0013191, OMIM 613237.
Charcot-Marie-Tooth disease dominant intermediate E. Also called: CHARCOT-MARIE-TOOTH NEUROPATHY WITH FOCAL SEGMENTAL GLOMERULONEPHRITIS. Identifiers: Orphanet 93114, MedGen C4302667, MONDO:0013758, OMIM 614455.

Submissions (2):

Labcorp Genetics (formerly Invitae), Labcorp
Classification: Uncertain significance for Charcot-Marie-Tooth disease dominant intermediate E; Focal segmental glomerulosclerosis 5. Last evaluated: 2026-01-07. Review status: criteria provided, single submitter. Criteria: Invitae Variant Classification Sherloc (09022015). Collection method: clinical testing. Allele origin: germline.
Comment: This variant, c.1396_1446dup, results in the insertion of 17 amino acid(s) of the INF2 protein (p.Leu466_Gly482dup), but otherwise preserves the integrity of the reading frame. This variant is present in population databases (no rsID available, gnomAD 0.003%). This variant has been observed in individuals with clinical features of Charcot-Marie-Tooth disease (internal data). ClinVar contains an entry for this variant (Variation ID: 1037346). Experimental studies and prediction algorithms are not available or were not evaluated, and the functional significance of this variant is currently unknown. In summary, the available evidence is currently insufficient to determine the role of this variant in disease. Therefore, it has been classified as a Variant of Uncertain Significance.

3billion
Classification: Uncertain significance for Focal segmental glomerulosclerosis 5. Last evaluated: 2025-10-16. Review status: criteria provided, single submitter. Criteria: ACMG Guidelines, 2015. Collection method: clinical testing. Allele origin: germline. Affected: yes.
Comment: The variant is observed at an extremely low frequency in the gnomAD v4.1.0 dataset (total allele frequency: 0.002%). Predicted Consequence/Location: Inframe insertion located in a nonrepeat region: predicted to change the length of the protein and disrupt normal protein function. The variant has been reported as of uncertain significance (ClinVar ID: VCV001037346). Therefore, this variant is classified as VUS according to the recommendation of ACMG/AMP guideline.

NM_022489.4(INF2):c.1396_1446dup (p.Leu466_Gly482dup)

Gene: INF2 (inverted formin 2; plus strand). Cytogenetic location: 14q32.33.
Variant type: Duplication.
Coding change: c.1396_1446dup on transcript NM_022489.4 (MANE Select); coding-DNA positions 1396 to 1446, 51 bases duplicated.
Protein change: p.Leu466_Gly482dup.
Molecular consequence: inframe insertion.
Genome position (GRCh38, 1-based): chr14:104,707,663-104,707,713, 51 bases duplicated. GRCh37 (hg19): chr14:105,174,000-105,174,050.
Other names: c.1396_1446dup, p.Leu466_Gly482dup (NM_001031714.4).
Identifiers: ClinVar variation 1037346 (VCV001037346.7), dbSNP rs1566781794, ClinGen allele CA616584694.